The following is an entry in ClinVar:

ClinVar aggregate classification (germline): Uncertain significance (1 of 4 stars; one submission).

Conditions:
Developmental and epileptic encephalopathy, 1 (DEE1). Also called: INFANTILE SPASM SYNDROME, X-LINKED 1; X-linked infantile spasms; West's syndrome; Tonic spasms with clustering, arrest of psychomotor development and hypsarrhythmia on EEG; X-Linked Infantile Spasm Syndrome; OHTAHARA SYNDROME, X-LINKED. Identifiers: MedGen C3463992, MONDO:0010632, OMIM 308350. Disease mechanism: loss of function.
Autosomal dominant nonsyndromic hearing loss 65. Also called: TBC1D24-Related Autosomal Dominant Nonsyndromic Hearing Loss (DFNA); Deafness, autosomal dominant 65. Identifiers: Orphanet 90635, MedGen C3892048, MONDO:0014470, OMIM 616044.

Submission:

Labcorp Genetics (formerly Invitae), Labcorp
Classification: Uncertain significance for Developmental and epileptic encephalopathy, 1; Autosomal dominant nonsyndromic hearing loss 65. Last evaluated: 2025-10-21. Review status: criteria provided, single submitter. Criteria: Invitae Variant Classification Sherloc (09022015). Collection method: clinical testing. Allele origin: germline.
Comment: This sequence change replaces alanine, which is neutral and non-polar, with aspartic acid, which is acidic and polar, at codon 175 of the TBC1D24 protein (p.Ala175Asp). This variant is not present in population databases (gnomAD no frequency). This variant has not been reported in the literature in individuals affected with TBC1D24-related conditions. ClinVar contains an entry for this variant (Variation ID: 854288). Invitae Evidence Modeling of protein sequence and biophysical properties (such as structural, functional, and spatial information, amino acid conservation, physicochemical variation, residue mobility, and thermodynamic stability) indicates that this missense variant is not expected to disrupt TBC1D24 protein function with a negative predictive value of 80%. In summary, the available evidence is currently insufficient to determine the role of this variant in disease. Therefore, it has been classified as a Variant of Uncertain Significance.

NM_001199107.2(TBC1D24):c.524C>A (p.Ala175Asp)

Gene: TBC1D24 (TBC1 domain family member 24; plus strand). Cytogenetic location: 16p13.3.
Variant type: single nucleotide variant.
Coding change: c.524C>A on transcript NM_001199107.2 (MANE Select); coding-DNA position 524, C replaced by A.
Protein change: p.Ala175Asp; replaces alanine 175 with aspartic acid.
Molecular consequence: missense variant.
Genome position (GRCh38, 1-based): chr16:2,496,672, C>A. VCF-style: chr16-2496672-C-A. GRCh37 (hg19) VCF-style: chr16-2546673-C-A.
Other names: c.524C>A, p.Ala175Asp (NM_020705.3); short protein forms A175D.
Identifiers: ClinVar variation 854288 (VCV000854288.10), dbSNP rs2065744128, ClinGen allele CA394376393.
Genomic context (GRCh38, chr16:2,496,672, plus strand): 5'-CCTGCCGCATCCTGGCCTGCAATGACCCCGGCAGGAGGCTGATCGACCAGAGCTTCCTGG[C>A]CTTTGAGTCGTCCTGCATGACGTTTGGGGACCTGGTGAACAAGTACTGCCAGGCGGCCCA-3'
Protein context (NP_001186036.1, residues 165-185): GRRLIDQSFL[Ala175Asp]FESSCMTFGD